The following is an entry in ClinVar:

ClinVar aggregate classification (germline): Uncertain significance (1 of 4 stars; one submission).

Submission:

Labcorp Genetics (formerly Invitae), Labcorp
Classification: Uncertain significance. Last evaluated: 2022-06-25. Review status: criteria provided, single submitter. Criteria: Invitae Variant Classification Sherloc (09022015). Collection method: clinical testing. Allele origin: germline.
Comment: This variant, c.4628_4630del, results in the deletion of 1 amino acid(s) of the VPS13A protein (p.Glu1543del), but otherwise preserves the integrity of the reading frame. This variant is present in population databases (no rsID available, gnomAD 0.003%). This variant has not been reported in the literature in individuals affected with VPS13A-related conditions. Algorithms developed to predict the effect of sequence changes on RNA splicing suggest that this variant may disrupt the consensus splice site. In summary, the available evidence is currently insufficient to determine the role of this variant in disease. Therefore, it has been classified as a Variant of Uncertain Significance.

NM_033305.3(VPS13A):c.4625AAG[1] (p.Glu1543del)

Gene: VPS13A (vacuolar protein sorting 13 homolog A; plus strand). Cytogenetic location: 9q21.2.
Variant type: Microsatellite.
Coding change: c.4625AAG[1] on transcript NM_033305.3 (MANE Select); one copy of the 3-base unit AAG starting at c.4625; the reference has two copies in a row; one copy, 3 bases deleted.
Protein change: p.Glu1543del; deletes glutamic acid 1543.
Molecular consequence: inframe deletion.
Genome position (GRCh38, 1-based): chr9:77,315,468-77,315,470, AAG deleted; deleting any 3 consecutive bases within chr9:77,315,464-77,315,470 gives the same sequence; the position shown is the placement nearest the transcript's 3' end. VCF-style (leftmost placement, unchanged base first): chr9-77315463-GGAA-G. GRCh37 (hg19) VCF-style: chr9-79930379-GGAA-G.
Other names: c.4508AAG[1], p.Glu1504del (NM_001018037.2); c.4625AAG[1], p.Glu1543del (NM_001018038.3, NM_015186.4); short protein forms E1504del, E1543del.
Identifiers: ClinVar variation 2418164 (VCV002418164.3), dbSNP rs1332229539, ClinGen allele CA588651431.